The following is an entry in ClinVar:

NM_001042545.2(LTBP4):c.4306C>T (p.Arg1436Trp)

Gene: LTBP4 (latent transforming growth factor beta binding protein 4; plus strand). Cytogenetic location: 19q13.2.
Variant type: single nucleotide variant.
Coding change: c.4306C>T on transcript NM_001042545.2 (MANE Select); coding-DNA position 4306, C replaced by T.
Protein change: p.Arg1436Trp; replaces arginine 1436 with tryptophan.
Molecular consequence: missense variant.
Genome position (GRCh38, 1-based): chr19:40,627,295, C>T. VCF-style: chr19-40627295-C-T. GRCh37 (hg19) VCF-style: chr19-41133200-C-T.
Other names: c.4507C>T, p.Arg1503Trp (NM_001042544.1); c.4396C>T, p.Arg1466Trp (NM_003573.2); short protein forms R1436W, R1466W, R1503W.
Identifiers: ClinVar variation 1307794 (VCV001307794.4), dbSNP rs747495668, ClinGen allele CA9449276.

ClinVar aggregate classification (germline): Uncertain significance (1 of 4 stars; one submission).

Allele frequency attached by ClinVar (database versions not stated): gnomAD 0.00001; TOPMed 0.00001.
gnomAD v4.1: 17 of 1,497,638 alleles (0.0011%); highest among the groups gnomAD compares: Non-Finnish European, 0.0014%; no homozygotes.

Submission:

GeneDx
Classification: Uncertain significance. Last evaluated: 2023-09-13. Review status: criteria provided, single submitter. Criteria: GeneDx Variant Classification Process June 2021. Collection method: clinical testing. Allele origin: germline. Affected: yes.
Comment: Has not been previously published as pathogenic or benign to our knowledge; Not observed in large population cohorts (gnomAD); In silico analysis, which includes protein predictors and evolutionary conservation, supports a deleterious effect